The following is an entry in ClinVar:

NM_025114.4(CEP290):c.2483+2T>C

Gene: CEP290 (centrosomal protein 290; minus strand). Cytogenetic location: 12q21.32.
Variant type: single nucleotide variant.
Coding change: c.2483+2T>C on transcript NM_025114.4 (MANE Select); the canonical splice donor site of the intron after coding-DNA position 2483, T replaced by C.
Molecular consequence: splice donor variant.
Genome position (GRCh38, 1-based): chr12:88,109,064, A>G on the plus strand (T>C on the coding strand, the complement: CEP290 is on the minus strand). VCF-style: chr12-88109064-A-G. GRCh37 (hg19) VCF-style: chr12-88502841-A-G.
Identifiers: ClinVar variation 4816199 (VCV004816199.1).

ClinVar aggregate classification (germline): Likely pathogenic (1 of 4 stars; one submission).

Conditions:
Leber congenital amaurosis (LCA). Also called: Leber's amaurosis. Identifiers: Orphanet 65, MedGen C0339527, MeSH D057130, MONDO:0018998.

Submission:

Natera, Inc.
Classification: Likely pathogenic for Leber congenital amaurosis. Last evaluated: 2024-12-19. Review status: criteria provided, single submitter. Criteria: Natera Variant Classification Schema (03/2026). Collection method: clinical testing. Allele origin: germline.
Comment: The c.2483+2T>C variant in CEP290 is a canonical splice donor site variant predicted to affect pre-mRNA splicing, which may result in an abnormal transcript and altered protein product. This variant is expected to result in nonsense mediated decay, truncation, or a dysfunctional protein product. This variant is rare in the general population with a frequency below the threshold expected for the associated phenotype(s). Given the available evidence, this variant is classified as Likely Pathogenic.